The following is an entry in ClinVar:

NM_001111.5(ADAR):c.2951C>G (p.Thr984Arg)

Gene: ADAR (adenosine deaminase RNA specific; minus strand). Cytogenetic location: 1q21.3.
Variant type: single nucleotide variant.
Coding change: c.2951C>G on transcript NM_001111.5 (MANE Select); coding-DNA position 2951, C replaced by G.
Protein change: p.Thr984Arg; replaces threonine 984 with arginine.
Molecular consequence: missense variant.
Genome position (GRCh38, 1-based): chr1:154,588,193, G>C on the plus strand (C>G on the coding strand, the complement: ADAR is on the minus strand). VCF-style: chr1-154588193-G-C. GRCh37 (hg19) VCF-style: chr1-154560669-G-C.
Other names: c.2066C>G, p.Thr689Arg (NM_001025107.3, NM_001193495.2, NM_001365046.1 and 2 more transcripts); c.2978C>G, p.Thr993Arg (NM_001365045.1); c.1988C>G, p.Thr663Arg (NM_001365049.1); c.2873C>G, p.Thr958Arg (NM_015840.4); c.2816C>G, p.Thr939Arg (NM_015841.4); short protein forms T689R, T984R, T993R, T663R, T958R, T939R.
Identifiers: ClinVar variation 2007193 (VCV002007193.4), dbSNP rs1696890803, ClinGen allele CA342636066.

ClinVar aggregate classification (germline): Uncertain significance (1 of 4 stars; one submission).

Conditions:
Symmetrical dyschromatosis of extremities (DSH). Also called: RETICULATE ACROPIGMENTATION OF DOHI; SYMMETRIC DYSCHROMATOSIS OF THE EXTREMITIES; DYSCHROMATOSIS SYMMETRICA HEREDITARIA 1; Dyschromatosis symmetrica hereditaria. Identifiers: Orphanet 41, MedGen C0406775, MONDO:0007483, OMIM 127400.
Aicardi-Goutieres syndrome 6 (AGS6). Identifiers: Orphanet 51, MedGen C3539013, MONDO:0014007, OMIM 615010.

Submission:

Labcorp Genetics (formerly Invitae), Labcorp
Classification: Uncertain significance for Aicardi-Goutieres syndrome 6; Symmetrical dyschromatosis of extremities. Last evaluated: 2024-02-24. Review status: criteria provided, single submitter. Criteria: Invitae Variant Classification Sherloc (09022015). Collection method: clinical testing. Allele origin: germline.
Comment: This sequence change replaces threonine, which is neutral and polar, with arginine, which is basic and polar, at codon 984 of the ADAR protein (p.Thr984Arg). This variant is not present in population databases (gnomAD no frequency). This variant has not been reported in the literature in individuals affected with ADAR-related conditions. ClinVar contains an entry for this variant (Variation ID: 2007193). An algorithm developed to predict the effect of missense changes on protein structure and function (PolyPhen-2) suggests that this variant is likely to be tolerated. In summary, the available evidence is currently insufficient to determine the role of this variant in disease. Therefore, it has been classified as a Variant of Uncertain Significance.